The following is an entry in ClinVar:

NM_018027.5(FRMD4A):c.2358G>A (p.Arg786=)

Gene: FRMD4A (FERM domain containing 4A; minus strand). Cytogenetic location: 10p13.
Variant type: single nucleotide variant.
Coding change: c.2358G>A on transcript NM_018027.5 (MANE Select); coding-DNA position 2358, G replaced by A.
Protein change: p.Arg786=; no amino-acid change (arginine 786 retained).
Molecular consequence: synonymous variant.
Genome position (GRCh38, 1-based): chr10:13,657,231, C>T on the plus strand (G>A on the coding strand, the complement: FRMD4A is on the minus strand). VCF-style: chr10-13657231-C-T. GRCh37 (hg19) VCF-style: chr10-13699231-C-T.
Other names: c.2406G>A, p.Arg802= (NM_001318336.2); c.2457G>A, p.Arg819= (NM_001318337.2); c.1431G>A, p.Arg477= (NM_001318338.2).
Identifiers: ClinVar variation 5038873 (VCV005038873.1).

ClinVar aggregate classification (germline): Benign (1 of 4 stars; one submission).

gnomAD v4.1: 2,689 of 1,576,392 alleles (0.17%); highest among the groups gnomAD compares: African/African-American, 1.5%; 29 homozygotes.

Submission:

CeGaT Center for Human Genetics Tuebingen
Classification: Benign. Last evaluated: 2026-08-01. Review status: criteria provided, single submitter. Criteria: CeGaT Center For Human Genetics Tuebingen Variant Classification Criteria Version 2. Collection method: clinical testing. Allele origin: germline. Affected: yes. Observed: 1 variant allele.
Comment: FRMD4A: BP4, BP7, BS1, BS2